The following is an entry in ClinVar:

NM_003072.5(SMARCA4):c.223-4G>A

Gene: SMARCA4 (SWI/SNF related BAF chromatin remodeling complex subunit ATPase 4; plus strand). Cytogenetic location: 19p13.2.
Variant type: single nucleotide variant.
Coding change: c.223-4G>A on transcript NM_003072.5 (MANE Select); 4 bases into the intron before coding-DNA position 223, G replaced by A.
Molecular consequence: intron variant.
Genome position (GRCh38, 1-based): chr19:10,985,269, G>A. VCF-style: chr19-10985269-G-A. GRCh37 (hg19) VCF-style: chr19-11095945-G-A.
Other names: c.223-4G>A (NM_001128844.3, NM_001128849.3, NM_001128847.4 and 5 more transcripts).
Identifiers: ClinVar variation 415064 (VCV000415064.29), dbSNP rs763383326, ClinGen allele CA9203442.

ClinVar aggregate classification (germline): Benign/Likely benign. Review status: criteria provided, multiple submitters, no conflicts (2 of 4 stars). 10 submissions from 10 submitters: Benign (4); Likely benign (5). 1 of the submissions does not count toward it. Last evaluated 2026-07-06.

Conditions:
SMARCA4-related disorder. Also called: SMARCA4-related condition.
Intellectual disability, autosomal dominant 16 (CSS4). Also called: COFFIN-SIRIS SYNDROME 4. Identifiers: Orphanet 1465, MedGen C3553249, MONDO:0013821, OMIM 614609.
Rhabdoid tumor predisposition syndrome 2 (RTPS2). Identifiers: Orphanet 231108, Orphanet 69077, MedGen C2750074, MONDO:0013224, OMIM 613325.
Hereditary cancer-predisposing syndrome. Also called: Hereditary Cancer Syndrome; Hereditary neoplastic syndrome; Neoplastic Syndromes, Hereditary; Tumor predisposition. Identifiers: Orphanet 140162, MedGen C0027672, MeSH D009386, MONDO:0015356.

Allele frequency attached by ClinVar (database versions not stated): TOPMed 0.00008; ExAC 0.00032.
gnomAD v4.1: 100 of 1,613,688 alleles (0.0062%); highest among the groups gnomAD compares: Admixed American, 0.093%; no homozygotes.

Submissions (10):

Myriad Genetics, Inc.
Classification: Likely benign for Rhabdoid tumor predisposition syndrome 2. Last evaluated: 2026-07-06. Review status: criteria provided, single submitter. Criteria: Myriad Autosomal Dominant, Autosomal Recessive and X-Linked Classification Criteria (2023). Collection method: clinical testing. Allele origin: unknown.
Comment: This variant is considered likely benign. This variant is intronic and is not expected to impact mRNA splicing.

Labcorp Genetics (formerly Invitae), Labcorp
Classification: Benign for Rhabdoid tumor predisposition syndrome 2. Last evaluated: 2026-01-28. Review status: criteria provided, single submitter. Criteria: Invitae Variant Classification Sherloc (09022015). Collection method: clinical testing. Allele origin: germline.

Blueprint Genetics
Classification: Likely benign. Last evaluated: 2024-11-22. Review status: criteria provided, single submitter. Criteria: ACMG Guidelines, 2015. Collection method: clinical testing. Allele origin: germline.

Quest Diagnostics Nichols Institute San Juan Capistrano
Classification: Benign. Last evaluated: 2022-12-03. Review status: criteria provided, single submitter. Criteria: Quest Diagnostics criteria. Collection method: clinical testing. Allele origin: unknown.

Sema4
Classification: Benign for Hereditary cancer-predisposing syndrome. Last evaluated: 2021-11-19. Review status: criteria provided, single submitter. Criteria: Sema4 Curation Guidelines. Collection method: curation. Allele origin: germline.

Genome-Nilou Lab
Classification: Benign for Intellectual disability, autosomal dominant 16. Last evaluated: 2021-07-15. Review status: criteria provided, single submitter. Criteria: ACMG Guidelines, 2015. Collection method: clinical testing. Allele origin: germline. Affected: no.

GeneDx
Classification: Likely benign. Last evaluated: 2021-03-02. Review status: criteria provided, single submitter. Criteria: GeneDx Variant Classification Process June 2021. Collection method: clinical testing. Allele origin: germline. Affected: yes.

Genetic Services Laboratory, University of Chicago
Classification: Likely benign. Last evaluated: 2020-05-15. Review status: criteria provided, single submitter. Criteria: ACMG Guidelines, 2015. Collection method: clinical testing. Allele origin: germline. Affected: no.

Ambry Genetics
Classification: Likely benign for Hereditary cancer-predisposing syndrome. Last evaluated: 2018-04-19. Review status: criteria provided, single submitter. Criteria: Ambry Variant Classification Scheme 2023. Collection method: clinical testing. Allele origin: germline.

PreventionGenetics, part of Exact Sciences
Classification: Likely benign for SMARCA4-related condition. Last evaluated: 2022-04-04. Review status: no assertion criteria provided. Collection method: clinical testing. Allele origin: germline. Not counted in ClinVar's aggregate classification.
Comment: This variant is classified as likely benign based on ACMG/AMP sequence variant interpretation guidelines (Richards et al. 2015 PMID: 25741868, with internal and published modifications).